The following is an entry in ClinVar:

NM_020821.3(VPS13C):c.1483+1G>A

Gene: VPS13C (vacuolar protein sorting 13 homolog C; minus strand). Cytogenetic location: 15q22.2.
Variant type: single nucleotide variant.
Coding change: c.1483+1G>A on transcript NM_020821.3 (MANE Select); the canonical splice donor site of the intron after coding-DNA position 1483, G replaced by A.
Molecular consequence: splice donor variant.
Genome position (GRCh38, 1-based): chr15:61,991,672, C>T on the plus strand (G>A on the coding strand, the complement: VPS13C is on the minus strand). VCF-style: chr15-61991672-C-T. GRCh37 (hg19) VCF-style: chr15-62283871-C-T.
Other names: c.1354+1G>A (NM_017684.5, NM_018080.4); c.1483+1G>A (NM_001018088.3).
Identifiers: ClinVar variation 1030583 (VCV001030583.1), dbSNP rs2046226928, ClinGen allele CA392685153.

ClinVar aggregate classification (germline): Likely pathogenic (1 of 4 stars; one submission).

Conditions:
Autosomal recessive early-onset Parkinson disease 23. Identifiers: Orphanet 2828, MedGen C4225186, MONDO:0014796, OMIM 616840.

Submission:

Baylor Genetics
Classification: Likely pathogenic for Autosomal recessive early-onset Parkinson disease 23. Last evaluated: 2019-10-04. Review status: criteria provided, single submitter. Criteria: ACMG Guidelines, 2015. Collection method: clinical testing. Allele origin: unknown. Affected: yes.
Comment: This variant was determined to be likely pathogenic according to ACMG Guidelines, 2015 [PMID:25741868].